The following is an entry in ClinVar:

NM_002296.4(LBR):c.851C>T (p.Thr284Met)

Gene: LBR (lamin B receptor; minus strand). Cytogenetic location: 1q42.12.
Variant type: single nucleotide variant.
Coding change: c.851C>T on transcript NM_002296.4 (MANE Select); coding-DNA position 851, C replaced by T.
Protein change: p.Thr284Met; replaces threonine 284 with methionine.
Molecular consequence: missense variant.
Genome position (GRCh38, 1-based): chr1:225,415,319, G>A on the plus strand (C>T on the coding strand, the complement: LBR is on the minus strand). VCF-style: chr1-225415319-G-A. GRCh37 (hg19) VCF-style: chr1-225603021-G-A.
Other names: c.851C>T, p.Thr284Met (NM_194442.3); short protein forms T284M.
Identifiers: ClinVar variation 618700 (VCV000618700.19), dbSNP rs371750924, ClinGen allele CA1417349.

ClinVar aggregate classification (germline): Conflicting classifications of pathogenicity. Review status: criteria provided, conflicting classifications (1 of 4 stars). 3 submissions from 3 submitters: Uncertain significance (2); Likely benign (1). Last evaluated 2025-06-24.

Conditions:
Inborn genetic diseases. Identifiers: MedGen C0950123, MeSH D030342.

Allele frequency attached by ClinVar (database versions not stated): gnomAD 0.00003 and 0.00004; TOPMed 0.00004; ESP Exome Variant Server 0.00008.
gnomAD v4.1: 39 of 1,593,160 alleles (0.0024%); highest among the groups gnomAD compares: Admixed American, 0.037%; no homozygotes.

Submissions (3):

Labcorp Genetics (formerly Invitae), Labcorp
Classification: Likely benign. Last evaluated: 2025-06-24. Review status: criteria provided, single submitter. Criteria: Invitae Variant Classification Sherloc (09022015). Collection method: clinical testing. Allele origin: germline.

Ambry Genetics
Classification: Uncertain significance for Inborn genetic diseases. Last evaluated: 2021-10-20. Review status: criteria provided, single submitter. Criteria: Ambry Variant Classification Scheme 2023. Collection method: clinical testing. Allele origin: germline.

ARUP Laboratories, Molecular Genetics and Genomics, ARUP Laboratories
Classification: Uncertain significance. Last evaluated: 2018-06-17. Review status: criteria provided, single submitter. Criteria: ARUP Molecular Germline Variant Investigation Process. Collection method: clinical testing. Allele origin: germline.
Comment: The LBR c.851C>T; p.Thr284Met variant (rs371750924), to our knowledge, is not reported in the medical literature or in gene specific databases, but is observed in the general population at an overall frequency of 0.008% (21/264498 alleles) with increased frequency in the Latino population (0.05%) in the Genome Aggregation Database. The threonine at codon 284 is weakly conserved, and computational algorithms (PolyPhen-2, SIFT) predict that this variant is tolerated. Due to limited information regarding this variant, its clinical significance cannot be determined with certainty. Pathogenic LBR variants are associated with autosomal recessive Greenberg skeletal dysplasia (MIM;215140) and autosomal dominant Pelger-Huet anomaly (MIM:169400). If this variant is later found to be pathogenic, this individual is predicted to either be a carrier of Greenberg skeletal dysplasia or affected with Pelger-Huet anomaly.